The following is an entry in ClinVar:

ClinVar aggregate classification (germline): Benign/Likely benign. Review status: criteria provided, multiple submitters, no conflicts (2 of 4 stars). 5 submissions from 5 submitters: Benign (1); Likely benign (3). 1 of the submissions does not count toward it. Last evaluated 2026-07-01.

Conditions:
Inborn genetic diseases. Identifiers: MedGen C0950123, MeSH D030342.
Alpha thalassemia-X-linked intellectual disability syndrome (ATRX). Also called: ALPHA-THALASSEMIA/MENTAL RETARDATION SYNDROME, X-LINKED; ATR, NONDELETION TYPE; ALPHA-THALASSEMIA/IMPAIRED INTELLECTUAL DEVELOPMENT SYNDROME, X-LINKED; X-linked alpha-thalassemia-mental retardation syndrome; ATR-X syndrome; Alpha thalassemia mental retardation syndrome, nondeletion type, X-linked. Identifiers: Orphanet 847, MedGen C1845055, MONDO:0010519, OMIM 301040.
ATRX-related disorder. Also called: ATRX-related condition.

Allele frequency attached by ClinVar (database versions not stated): gnomAD exomes 0.00004 and 0.00018; gnomAD 0.00004 and 0.00003; TOPMed 0.00007; ExAC 0.00009.
gnomAD v4.1: 44 of 1,210,009 alleles (0.0036%); highest among the groups gnomAD compares: Admixed American, 0.092%; no homozygotes.

Submissions (5):

CeGaT Center for Human Genetics Tuebingen
Classification: Likely benign. Last evaluated: 2026-07-01. Review status: criteria provided, single submitter. Criteria: CeGaT Center For Human Genetics Tuebingen Variant Classification Criteria Version 2. Collection method: clinical testing. Allele origin: germline. Affected: yes. Observed: 1 variant allele.
Comment: ATRX: BP4, BS2

Labcorp Genetics (formerly Invitae), Labcorp
Classification: Likely benign for Alpha thalassemia-X-linked intellectual disability syndrome. Last evaluated: 2026-01-09. Review status: criteria provided, single submitter. Criteria: Invitae Variant Classification Sherloc (09022015). Collection method: clinical testing. Allele origin: germline.

Ambry Genetics
Classification: Likely benign for Inborn genetic diseases. Last evaluated: 2021-11-09. Review status: criteria provided, single submitter. Criteria: Ambry Variant Classification Scheme 2023. Collection method: clinical testing. Allele origin: germline.

GeneDx
Classification: Benign. Last evaluated: 2020-08-28. Review status: criteria provided, single submitter. Criteria: GeneDx Variant Classification Process June 2021. Collection method: clinical testing. Allele origin: germline. Affected: yes.

PreventionGenetics, part of Exact Sciences
Classification: Likely benign for ATRX-related condition. Last evaluated: 2022-08-29. Review status: no assertion criteria provided. Collection method: clinical testing. Allele origin: germline. Not counted in ClinVar's aggregate classification.
Comment: This variant is classified as likely benign based on ACMG/AMP sequence variant interpretation guidelines (Richards et al. 2015 PMID: 25741868, with internal and published modifications).

NM_000489.6(ATRX):c.1625T>C (p.Val542Ala)

Gene: ATRX (ATRX chromatin remodeler; minus strand). Cytogenetic location: Xq21.1.
Variant type: single nucleotide variant.
Coding change: c.1625T>C on transcript NM_000489.6 (MANE Select); coding-DNA position 1625, T replaced by C.
Protein change: p.Val542Ala; replaces valine 542 with alanine.
Molecular consequence: missense variant.
Genome position (GRCh38, 1-based): chrX:77,683,631, A>G on the plus strand (T>C on the coding strand, the complement: ATRX is on the minus strand). VCF-style: chrX-77683631-A-G. GRCh37 (hg19) VCF-style: chrX-76939123-A-G.
Other names: c.1511T>C, p.Val504Ala (NM_138270.5); short protein forms V542A, V504A.
Identifiers: ClinVar variation 533646 (VCV000533646.17), dbSNP rs782158232, ClinGen allele CA10458179.